The following is an entry in ClinVar:

NM_001042492.3(NF1):c.5821T>A (p.Leu1941Met)

Gene: NF1 (neurofibromin 1; plus strand). Cytogenetic location: 17q11.2.
Variant type: single nucleotide variant.
Coding change: c.5821T>A on transcript NM_001042492.3 (MANE Select); coding-DNA position 5821, T replaced by A.
Protein change: p.Leu1941Met; replaces leucine 1941 with methionine.
Molecular consequence: missense variant.
Genome position (GRCh38, 1-based): chr17:31,334,846, T>A. VCF-style: chr17-31334846-T-A. GRCh37 (hg19) VCF-style: chr17-29661864-T-A.
Other names: c.5758T>A, p.Leu1920Met (NM_000267.4); short protein forms L1920M, L1941M.
Identifiers: ClinVar variation 3237843 (VCV003237843.1), dbSNP rs2151550259.

ClinVar aggregate classification (germline): Uncertain significance (1 of 4 stars; one submission).

Conditions:
Hereditary cancer-predisposing syndrome. Also called: Neoplastic Syndromes, Hereditary; Tumor predisposition; Hereditary neoplastic syndrome; Hereditary Cancer Syndrome. Identifiers: Orphanet 140162, MedGen C0027672, MeSH D009386, MONDO:0015356.
Cardiovascular phenotype. Identifiers: MedGen CN230736.

Submission:

Ambry Genetics
Classification: Uncertain significance for Cardiovascular phenotype; Hereditary cancer-predisposing syndrome. Last evaluated: 2023-09-28. Review status: criteria provided, single submitter. Criteria: Ambry Variant Classification Scheme 2023. Collection method: clinical testing. Allele origin: germline.
Comment: The p.L1920M variant (also known as c.5758T>A), located in coding exon 39 of the NF1 gene, results from a T to A substitution at nucleotide position 5758. The leucine at codon 1920 is replaced by methionine, an amino acid with highly similar properties. This amino acid position is conserved. In addition, the in silico prediction for this alteration is inconclusive. Since supporting evidence is limited at this time, the clinical significance of this alteration remains unclear.